The following is an entry in ClinVar:

NM_133259.4(LRPPRC):c.2215C>T (p.Arg739Cys)

Gene: LRPPRC (leucine rich pentatricopeptide repeat containing; minus strand). Cytogenetic location: 2p21.
Variant type: single nucleotide variant.
Coding change: c.2215C>T on transcript NM_133259.4 (MANE Select); coding-DNA position 2215, C replaced by T.
Protein change: p.Arg739Cys; replaces arginine 739 with cysteine.
Molecular consequence: missense variant.
Genome position (GRCh38, 1-based): chr2:43,945,413, G>A on the plus strand (C>T on the coding strand, the complement: LRPPRC is on the minus strand). VCF-style: chr2-43945413-G-A. GRCh37 (hg19) VCF-style: chr2-44172552-G-A.
Other names: c.2215C>T (NM_133259.3); short protein forms R739C.
Identifiers: ClinVar variation 1429326 (VCV001429326.7), dbSNP rs748198587, ClinGen allele CA1638542.
Genomic context (GRCh38, chr2:43,945,413, plus strand): 5'-CCAATACTCTTACAAGGCCTACATACTTGCCGGTGTCAAGGACAGCAGATGAATCTAAGC[G>A]GTCACTAAAAATTAAAGCCACATTTATATTGTTTTAAAAGTCAATTAACTGCTAAAAGAA-3'
Protein context (NP_573566.2, residues 729-749): DALNLKEEFD[Arg739Cys]LDSSAVLDTG

ClinVar aggregate classification (germline): Uncertain significance. Review status: criteria provided, multiple submitters, no conflicts (2 of 4 stars). 2 submissions from 2 submitters: Uncertain significance (2). Last evaluated 2025-10-08.

Conditions:
Inborn genetic diseases. Identifiers: MedGen C0950123, MeSH D030342.

Allele frequency attached by ClinVar (database versions not stated): ExAC 0.00001; gnomAD exomes 0.00003; TOPMed 0.00005.
gnomAD v4.1: 55 of 1,604,298 alleles (0.0034%); highest among the groups gnomAD compares: Admixed American, 0.015%; no homozygotes.

Submissions (2):

Labcorp Genetics (formerly Invitae), Labcorp
Classification: Uncertain significance. Last evaluated: 2025-10-08. Review status: criteria provided, single submitter. Criteria: Invitae Variant Classification Sherloc (09022015). Collection method: clinical testing. Allele origin: germline.
Comment: This sequence change replaces arginine, which is basic and polar, with cysteine, which is neutral and slightly polar, at codon 739 of the LRPPRC protein (p.Arg739Cys). This variant is present in population databases (rs748198587, gnomAD 0.01%). This variant has not been reported in the literature in individuals affected with LRPPRC-related conditions. ClinVar contains an entry for this variant (Variation ID: 1429326). Invitae Evidence Modeling of protein sequence and biophysical properties (such as structural, functional, and spatial information, amino acid conservation, physicochemical variation, residue mobility, and thermodynamic stability) indicates that this missense variant is not expected to disrupt LRPPRC protein function with a negative predictive value of 80%. In summary, the available evidence is currently insufficient to determine the role of this variant in disease. Therefore, it has been classified as a Variant of Uncertain Significance.

Ambry Genetics
Classification: Uncertain significance for Inborn genetic diseases. Last evaluated: 2024-06-13. Review status: criteria provided, single submitter. Criteria: Ambry Variant Classification Scheme 2023. Collection method: clinical testing. Allele origin: germline.